The following is an entry in ClinVar:

NM_024548.4(CEP97):c.1844G>A (p.Arg615His)

Gene: CEP97 (centrosomal protein 97; plus strand). Cytogenetic location: 3q12.3.
Variant type: single nucleotide variant.
Coding change: c.1844G>A on transcript NM_024548.4 (MANE Select); coding-DNA position 1844, G replaced by A.
Protein change: p.Arg615His; replaces arginine 615 with histidine.
Molecular consequence: missense variant.
Genome position (GRCh38, 1-based): chr3:101,762,511, G>A. VCF-style: chr3-101762511-G-A. GRCh37 (hg19) VCF-style: chr3-101481355-G-A.
Other names: c.1667G>A, p.Arg556His (NM_001303401.2); c.1742G>A, p.Arg581His (NM_001410784.1); c.1565G>A, p.Arg522His (NM_001410785.1); short protein forms R581H, R556H, R522H, R615H.
Identifiers: ClinVar variation 2079363 (VCV002079363.6), dbSNP rs371995529, ClinGen allele CA2522216.

ClinVar aggregate classification (germline): Uncertain significance. Review status: criteria provided, multiple submitters, no conflicts (2 of 4 stars). 2 submissions from 2 submitters: Uncertain significance (2). Last evaluated 2025-04-19.

Allele frequency attached by ClinVar (database versions not stated): ESP Exome Variant Server 0.00008; TOPMed 0.00011.
gnomAD v4.1: 232 of 1,610,128 alleles (0.014%); highest among the groups gnomAD compares: Non-Finnish European, 0.019%; no homozygotes.

Submissions (2):

Labcorp Genetics (formerly Invitae), Labcorp
Classification: Uncertain significance. Last evaluated: 2025-04-19. Review status: criteria provided, single submitter. Criteria: Invitae Variant Classification Sherloc (09022015). Collection method: clinical testing. Allele origin: germline.
Comment: This sequence change replaces arginine, which is basic and polar, with histidine, which is basic and polar, at codon 615 of the CEP97 protein (p.Arg615His). This variant is present in population databases (rs371995529, gnomAD 0.02%). This variant has not been reported in the literature in individuals affected with CEP97-related conditions. ClinVar contains an entry for this variant (Variation ID: 2079363). Invitae Evidence Modeling of protein sequence and biophysical properties (such as structural, functional, and spatial information, amino acid conservation, physicochemical variation, residue mobility, and thermodynamic stability) indicates that this missense variant is not expected to disrupt CEP97 protein function with a negative predictive value of 80%. In summary, the available evidence is currently insufficient to determine the role of this variant in disease. Therefore, it has been classified as a Variant of Uncertain Significance.

Ambry Genetics
Classification: Uncertain significance. Last evaluated: 2025-01-17. Review status: criteria provided, single submitter. Criteria: Ambry Variant Classification Scheme 2023. Collection method: clinical testing. Allele origin: germline.